The following is an entry in ClinVar:

NM_002294.3(LAMP2):c.184-1G>T

Gene: LAMP2 (lysosomal associated membrane protein 2; minus strand). Cytogenetic location: Xq24.
Variant type: single nucleotide variant.
Coding change: c.184-1G>T on transcript NM_002294.3 (MANE Select); the canonical splice acceptor site of the intron before coding-DNA position 184, G replaced by T.
Molecular consequence: splice acceptor variant.
Genome position (GRCh38, 1-based): chrX:120,455,571, C>A on the plus strand (G>T on the coding strand, the complement: LAMP2 is on the minus strand). VCF-style: chrX-120455571-C-A. GRCh37 (hg19) VCF-style: chrX-119589426-C-A.
Other names: NC_000023.10:g.119589426C>A; c.184-1G>T (NM_001122606.1, NM_013995.2).
Identifiers: ClinVar variation 423793 (VCV000423793.3), dbSNP rs1064796635, ClinGen allele CA16621192.

ClinVar aggregate classification (germline): Likely pathogenic (1 of 4 stars; one submission).

Submissions (3):

GeneDx
Classification: Likely pathogenic. Last evaluated: 2017-02-21. Review status: criteria provided, single submitter. Criteria: GeneDx Variant Classification (06012015). Collection method: clinical testing. Allele origin: germline. Affected: yes.
Comment: Although the c.184-1 G>T variant has not been reported as a pathogenic or benign to our knowledge, it destroys thecanonical splice acceptor site in intron 2 and is predicted to cause abnormal gene splicing. This variant is predicted tolead to either an abnormal message that is subject to nonsense-mediated mRNA decay, or to an abnormal proteinproduct if the message is used for protein translation. Furthermore, multiple other splice site variants in the LAMP2gene have been reported in HGMD in association with Danon disease (Stenson et al., 2014), indicating that loss offunction is a known disease mechanism for this gene. In addition, the c.184-1 G>T variant is not observed in largepopulation cohorts (Lek et al., 2016; 1000 Genomes Consortium et al., 2015; Exome Variant Server).

Dr. Peter K. Rogan Lab, Western University
No classification provided (evidence only). Condition: Melanoma. Review status: no classification provided. Collection method: in vitro. Allele origin: not applicable. Functional consequence: skipped exon, retained intron. Not counted in ClinVar's aggregate classification.

Dr. Peter K. Rogan Lab, Western University
No classification provided (evidence only). Condition: Nonpapillary renal cell carcinoma. Review status: no classification provided. Collection method: in vitro. Allele origin: not applicable. Functional consequence: retained intron. Not counted in ClinVar's aggregate classification.